The following is an entry in ClinVar:

NM_030962.4(SBF2):c.1102C>G (p.Gln368Glu)

Gene: SBF2 (SET binding factor 2; minus strand). Cytogenetic location: 11p15.4.
Variant type: single nucleotide variant.
Coding change: c.1102C>G on transcript NM_030962.4 (MANE Select); coding-DNA position 1102, C replaced by G.
Protein change: p.Gln368Glu; replaces glutamine 368 with glutamic acid.
Molecular consequence: missense variant.
Genome position (GRCh38, 1-based): chr11:9,993,055, G>C on the plus strand (C>G on the coding strand, the complement: SBF2 is on the minus strand). VCF-style: chr11-9993055-G-C. GRCh37 (hg19) VCF-style: chr11-10014602-G-C.
Other names: c.1102C>G, p.Gln368Glu (NM_001386339.1, NM_001386342.1); short protein forms Q368E.
Identifiers: ClinVar variation 1386684 (VCV001386684.3), dbSNP rs2134472163, ClinGen allele CA379637895.
Genomic context (GRCh38, chr11:9,993,055, plus strand): 5'-GGAAATGTATTACTGGCTCTGCATGAATTCTTATAAGTTGCAGGCAGGATCTATATCCTT[G>C]GAAGAGTTGTGCAAATAATCTAAGGAAAACGGCTCGCACCTCTTTATCCTAAAAATATAA-3'
Protein context (NP_112224.1, residues 358-378): VFLRLFAQLF[Gln368Glu]GYRSCLQLIR

ClinVar aggregate classification (germline): Uncertain significance (1 of 4 stars; one submission).

Conditions:
Charcot-Marie-Tooth disease type 4. Also called: Charcot-Marie-Tooth disease, type IV; Charcot-Marie-Tooth, Type 4. Identifiers: Orphanet 64749, MedGen C4082197, MONDO:0018995.

Submission:

Labcorp Genetics (formerly Invitae), Labcorp
Classification: Uncertain significance for Charcot-Marie-Tooth disease type 4. Last evaluated: 2021-10-13. Review status: criteria provided, single submitter. Criteria: Invitae Variant Classification Sherloc (09022015). Collection method: clinical testing. Allele origin: germline.
Comment: This sequence change replaces glutamine with glutamic acid at codon 368 of the SBF2 protein (p.Gln368Glu). The glutamine residue is highly conserved and there is a small physicochemical difference between glutamine and glutamic acid. This variant is not present in population databases (ExAC no frequency). This variant has not been reported in the literature in individuals affected with SBF2-related conditions. Algorithms developed to predict the effect of missense changes on protein structure and function (SIFT, PolyPhen-2, Align-GVGD) all suggest that this variant is likely to be tolerated. In summary, the available evidence is currently insufficient to determine the role of this variant in disease. Therefore, it has been classified as a Variant of Uncertain Significance.